The following is an entry in ClinVar:

NM_000465.4(BARD1):c.2226G>C (p.Leu742Phe)

Gene: BARD1 (BRCA1 associated RING domain 1; minus strand). Cytogenetic location: 2q35.
Variant type: single nucleotide variant.
Coding change: c.2226G>C on transcript NM_000465.4 (MANE Select); coding-DNA position 2226, G replaced by C.
Protein change: p.Leu742Phe; replaces leucine 742 with phenylalanine.
Molecular consequence: missense variant. On other transcripts: non-coding transcript variant (3).
Genome position (GRCh38, 1-based): chr2:214,728,784, C>G on the plus strand (G>C on the coding strand, the complement: BARD1 is on the minus strand). VCF-style: chr2-214728784-C-G. GRCh37 (hg19) VCF-style: chr2-215593508-C-G.
Other names: c.2169G>C, p.Leu723Phe (NM_001282543.2); c.873G>C, p.Leu291Phe (NM_001282545.2); c.816G>C, p.Leu272Phe (NM_001282548.2); c.687G>C, p.Leu229Phe (NM_001282549.2); short protein forms L742F, L272F, L723F, L229F, L291F.
Identifiers: ClinVar variation 419049 (VCV000419049.25), dbSNP rs1064793606, ClinGen allele CA16617424.

ClinVar aggregate classification (germline): Conflicting classifications of pathogenicity. Review status: criteria provided, conflicting classifications (1 of 4 stars). 5 submissions from 5 submitters: Uncertain significance (4); Likely benign (1). Last evaluated 2025-05-14.

Conditions:
Hereditary cancer-predisposing syndrome. Also called: Hereditary neoplastic syndrome; Tumor predisposition; Neoplastic Syndromes, Hereditary; Hereditary Cancer Syndrome. Identifiers: Orphanet 140162, MedGen C0027672, MeSH D009386, MONDO:0015356.
Familial cancer of breast. Also called: Hereditary breast cancer; BREAST CANCER, FAMILIAL; hereditary breast carcinoma. Identifiers: Orphanet 227535, MedGen C0346153, MONDO:0016419, OMIM 114480. Disease mechanism: loss of function.

gnomAD v4.1: 4 of 1,614,174 alleles (0.00025%); highest among the groups gnomAD compares: Non-Finnish European, 0.000085%; no homozygotes.

Submissions (5):

Labcorp Genetics (formerly Invitae), Labcorp
Classification: Uncertain significance for Familial cancer of breast. Last evaluated: 2025-05-14. Review status: criteria provided, single submitter. Criteria: Invitae Variant Classification Sherloc (09022015). Collection method: clinical testing. Allele origin: germline.
Comment: This sequence change replaces leucine, which is neutral and non-polar, with phenylalanine, which is neutral and non-polar, at codon 742 of the BARD1 protein (p.Leu742Phe). This variant is not present in population databases (gnomAD no frequency). This variant has not been reported in the literature in individuals affected with BARD1-related conditions. ClinVar contains an entry for this variant (Variation ID: 419049). An algorithm developed to predict the effect of missense changes on protein structure and function outputs the following: PolyPhen-2: "Benign". The phenylalanine amino acid residue is found in multiple mammalian species, which suggests that this missense change does not adversely affect protein function. In summary, the available evidence is currently insufficient to determine the role of this variant in disease. Therefore, it has been classified as a Variant of Uncertain Significance.

Color Diagnostics, LLC DBA Color Health
Classification: Uncertain significance for Hereditary cancer-predisposing syndrome. Last evaluated: 2024-03-06. Review status: criteria provided, single submitter. Criteria: ACMG Guidelines, 2015. Collection method: clinical testing. Allele origin: germline.
Comment: This missense variant replaces leucine with phenylalanine at codon 742 of the BARD1 protein. Computational prediction suggests that this variant may not impact protein structure and function (internally defined REVEL score threshold <= 0.5, PMID: 27666373). Splice site prediction tools suggest that this variant may not impact RNA splicing. To our knowledge, functional studies have not been reported for this variant. This variant has not been reported in individuals affected with hereditary cancer in the literature. This variant has not been identified in the general population by the Genome Aggregation Database (gnomAD). The available evidence is insufficient to determine the role of this variant in disease conclusively. Therefore, this variant is classified as a Variant of Uncertain Significance.

Ambry Genetics
Classification: Likely benign for Hereditary cancer-predisposing syndrome. Last evaluated: 2024-02-26. Review status: criteria provided, single submitter. Criteria: Ambry Variant Classification Scheme 2023. Collection method: clinical testing. Allele origin: germline.

Genetic Services Laboratory, University of Chicago
Classification: Uncertain significance. Last evaluated: 2020-08-21. Review status: criteria provided, single submitter. Criteria: ACMG Guidelines, 2015. Collection method: clinical testing. Allele origin: germline. Affected: no.
Comment: DNA sequence analysis of the BARD1 gene demonstrated a sequence change, c.2226G>C, in exon 11 that results in an amino acid change, p.Leu742Phe. This sequence change does not appear to have been previously described in patients with BARD1-related disorders and has also not been described in population databases (gnomAD, ExAC). The p.Leu742Phe change affects a moderately conserved amino acid residue located in a domain of the BARD1 protein that is known to be functional. The p.Leu742Phe substitution appears to be benign using several in-silico pathogenicity prediction tools (SIFT, PolyPhen2, Align GVGD, REVEL). Due to these contrasting evidences and the lack of functional studies, the clinical significance of the p.Leu742Phe change remains unknown at this time.

GeneDx
Classification: Uncertain significance. Last evaluated: 2015-05-15. Review status: criteria provided, single submitter. Criteria: GeneDx Variant Classification (06012015). Collection method: clinical testing. Allele origin: germline. Affected: yes.
Comment: This variant is denoted BARD1 c.2226G>C at the cDNA level, p.Leu742Phe (L742F) at the protein level, and results in the change of a Leucine to a Phenylalanine (TTG>TTC). This variant has not, to our knowledge, been published in the literature as pathogenic or benign. BARD1 Leu742Phe was not observed in approximately 6,500 individuals of European and African American ancestry in the NHLBI Exome Sequencing Project, indicating it is not a common benign variant in these populations. Since Leucine and Phenylalanine share similar properties, this is considered a conservative amino acid substitution. BARD1 Leu742Phe occurs at a position that is not conserved and is located in the BRCT2 domain (UniProt). In silico analyses predict that this variant is unlikely to alter protein structure or function. Based on currently available information, it is unclear whether BARD1 Leu742Phe is pathogenic or benign. We consider it to be a variant of uncertain significance.